The following is an entry in ClinVar:

ClinVar aggregate classification (germline): Conflicting classifications of pathogenicity. Review status: criteria provided, conflicting classifications (1 of 4 stars). 3 submissions from 3 submitters: Uncertain significance (2); Likely benign (1). Last evaluated 2025-05-08.

Conditions:
Acute myeloid leukemia (AML). Also called: Acute myeloid leukemia, adult; AML adult; Acute non-lymphocytic leukemia; Acute granulocytic leukemia; Leukemia, acute myelogenous, somatic; Leukemia, acute myeloid, somatic. Identifiers: Orphanet 519, MedGen C0023467, MeSH D015470, MONDO:0018874, OMIM 601626, HP:0004808. Disease mechanism: Constitutively activated FLT3.
Inborn genetic diseases. Identifiers: MedGen C0950123, MeSH D030342.

Allele frequency attached by ClinVar (database versions not stated): gnomAD exomes 0.00002.

Submissions (3):

Ambry Genetics
Classification: Likely benign for Inborn genetic diseases. Last evaluated: 2025-05-08. Review status: criteria provided, single submitter. Criteria: Ambry Variant Classification Scheme 2023. Collection method: clinical testing. Allele origin: germline.

GeneDx
Classification: Uncertain significance. Last evaluated: 2024-11-06. Review status: criteria provided, single submitter. Criteria: GeneDx Variant Classification Process June 2021. Collection method: clinical testing. Allele origin: germline. Affected: yes.
Comment: Not observed at significant frequency in large population cohorts (gnomAD); In silico analysis indicates that this missense variant does not alter protein structure/function; Has not been previously published as pathogenic or benign to our knowledge

Labcorp Genetics (formerly Invitae), Labcorp
Classification: Uncertain significance for Acute myeloid leukemia. Last evaluated: 2023-10-19. Review status: criteria provided, single submitter. Criteria: Invitae Variant Classification Sherloc (09022015). Collection method: clinical testing. Allele origin: germline.
Comment: This sequence change replaces threonine, which is neutral and polar, with alanine, which is neutral and non-polar, at codon 217 of the CEBPA protein (p.Thr217Ala). The frequency data for this variant in the population databases is considered unreliable, as metrics indicate insufficient coverage at this position in the gnomAD database. This variant has not been reported in the literature in individuals affected with CEBPA-related conditions. ClinVar contains an entry for this variant (Variation ID: 1044725). Advanced modeling of protein sequence and biophysical properties (such as structural, functional, and spatial information, amino acid conservation, physicochemical variation, residue mobility, and thermodynamic stability) performed at Invitae indicates that this missense variant is not expected to disrupt CEBPA protein function. In summary, the available evidence is currently insufficient to determine the role of this variant in disease. Therefore, it has been classified as a Variant of Uncertain Significance.

NM_004364.5(CEBPA):c.649A>G (p.Thr217Ala)

Gene: CEBPA (CCAAT enhancer binding protein alpha; minus strand). Cytogenetic location: 19q13.11.
Variant type: single nucleotide variant.
Coding change: c.649A>G on transcript NM_004364.5 (MANE Select); coding-DNA position 649, A replaced by G.
Protein change: p.Thr217Ala; replaces threonine 217 with alanine.
Molecular consequence: missense variant.
Genome position (GRCh38, 1-based): chr19:33,301,766, T>C on the plus strand (A>G on the coding strand, the complement: CEBPA is on the minus strand). VCF-style: chr19-33301766-T-C. GRCh37 (hg19) VCF-style: chr19-33792672-T-C.
Other names: c.754A>G, p.Thr252Ala (NM_001287424.2); c.607A>G, p.Thr203Ala (NM_001287435.2); c.292A>G, p.Thr98Ala (NM_001285829.2); c.649A>G (NM_004364.3); short protein forms T203A, T217A, T98A, T252A.
Identifiers: ClinVar variation 1044725 (VCV001044725.11), dbSNP rs1967174429, ClinGen allele CA405274497.